The following is an entry in ClinVar:

ClinVar aggregate classification (germline): Pathogenic (1 of 4 stars; one submission).

Conditions:
Neurofibromatosis, type 1 (NF1). Also called: VON RECKLINGHAUSEN DISEASE; Peripheral type neurofibromatosis; NEUROFIBROMATOSIS, TYPE I, SOMATIC; Neurofibromatosis, type I. Identifiers: Orphanet 636, MedGen C0027831, MONDO:0018975, OMIM 162200. Disease mechanism: loss of function.

Submission:

Labcorp Genetics (formerly Invitae), Labcorp
Classification: Pathogenic for Neurofibromatosis, type 1. Last evaluated: 2025-12-09. Review status: criteria provided, single submitter. Criteria: Invitae Variant Classification Sherloc (09022015). Collection method: clinical testing. Allele origin: germline.
Comment: This sequence change creates a premature translational stop signal (p.Ser1124Valfs*18) in the NF1 gene. It is expected to result in an absent or disrupted protein product. Loss-of-function variants in NF1 are known to be pathogenic (PMID: 10712197, 23913538). This variant is not present in population databases (gnomAD no frequency). This variant has not been reported in the literature in individuals affected with NF1-related conditions. Algorithms developed to predict the effect of sequence changes on RNA splicing suggest that this variant may disrupt the consensus splice site. For these reasons, this variant has been classified as Pathogenic.

Literature cited by the submitters: PubMed 10712197; PubMed 23913538.

NM_001042492.3(NF1):c.3370del (p.Ser1124fs)

Gene: NF1 (neurofibromin 1; plus strand). Cytogenetic location: 17q11.2.
Variant type: Deletion.
Coding change: c.3370del on transcript NM_001042492.3 (MANE Select); coding-DNA position 3370, one base deleted (A; older notation c.3370delA).
Protein change: p.Ser1124fs; shifts the reading frame from serine 1124.
Molecular consequence: frameshift variant.
Genome position (GRCh38, 1-based): chr17:31,232,755, A deleted; the last of 3 consecutive A bases (chr17:31,232,753-31,232,755); deleting any one gives the same sequence. VCF-style (leftmost placement, unchanged base first): chr17-31232752-GA-G. GRCh37 (hg19) VCF-style: chr17-29559770-GA-G.
Other names: c.3370del, p.Ser1124fs (NM_000267.4); short protein forms S1124fs.
Identifiers: ClinVar variation 4732847 (VCV004732847.1).
Genomic context (GRCh38, chr17:31,232,752, plus strand): 5'-TTTCTCAGATACTTCACATTATTTATGAACCTTTTGAATGACTGCAGTGAAGTTGAAGAT[GA>G]AAGTGCGCAAACAGGTGGCAGGAAACGTGGCATGTCTCGGAGGCTGGCATCACTGAGGCA-3'